The following is an entry in ClinVar:

NM_002880.4(RAF1):c.247A>G (p.Met83Val)

Gene: RAF1 (Raf-1 proto-oncogene, serine/threonine kinase; minus strand). Cytogenetic location: 3p25.2.
Variant type: single nucleotide variant.
Coding change: c.247A>G on transcript NM_002880.4 (MANE Select); coding-DNA position 247, A replaced by G.
Protein change: p.Met83Val; replaces methionine 83 with valine.
Molecular consequence: missense variant. On other transcripts: non-coding transcript variant (3), intron variant (4).
Genome position (GRCh38, 1-based): chr3:12,612,023, T>C on the plus strand (A>G on the coding strand, the complement: RAF1 is on the minus strand). VCF-style: chr3-12612023-T-C. GRCh37 (hg19) VCF-style: chr3-12653522-T-C.
Other names: c.247A>G, p.Met83Val (NM_001354689.3, NM_001354690.3, NM_001354693.3); c.78-2688A>G (NM_001354695.3, NM_001354692.3, NM_001354694.3 and 1 more transcripts); short protein forms M83V.
Identifiers: ClinVar variation 4806936 (VCV004806936.1).

ClinVar aggregate classification (germline): Uncertain significance (1 of 4 stars; one submission).

Conditions:
RASopathy. Also called: Noonan spectrum disorder; rasopathies. Identifiers: Orphanet 536391, MedGen C5555857, MONDO:0021060.

gnomAD v4.1: 5 of 1,614,140 alleles (0.00031%); highest among the groups gnomAD compares: Non-Finnish European, 0.00042%; no homozygotes.

Submission:

Labcorp Genetics (formerly Invitae), Labcorp
Classification: Uncertain significance for RASopathy. Last evaluated: 2025-05-15. Review status: criteria provided, single submitter. Criteria: Invitae Variant Classification Sherloc (09022015). Collection method: clinical testing. Allele origin: germline.
Comment: This sequence change replaces methionine, which is neutral and non-polar, with valine, which is neutral and non-polar, at codon 83 of the RAF1 protein (p.Met83Val). This variant is not present in population databases (gnomAD no frequency). This variant has not been reported in the literature in individuals affected with RAF1-related conditions. Invitae Evidence Modeling of protein sequence and biophysical properties (such as structural, functional, and spatial information, amino acid conservation, physicochemical variation, residue mobility, and thermodynamic stability) indicates that this missense variant is not expected to disrupt RAF1 protein function with a negative predictive value of 95%. In summary, the available evidence is currently insufficient to determine the role of this variant in disease. Therefore, it has been classified as a Variant of Uncertain Significance.